The following is an entry in ClinVar:

ClinVar aggregate classification (germline): Likely benign (1 of 4 stars; one submission).

Allele frequency attached by ClinVar (database versions not stated): TOPMed below 0.00001.

Submission:

CeGaT Center for Human Genetics Tuebingen
Classification: Likely benign. Last evaluated: 2024-01-01. Review status: criteria provided, single submitter. Criteria: CeGaT Center For Human Genetics Tuebingen Variant Classification Criteria Version 2. Collection method: clinical testing. Allele origin: germline. Affected: yes. Observed: 1 variant allele.
Comment: RIC1: PM2:Supporting, BP4, BP7

NM_020829.4(RIC1):c.1932A>G (p.Val644=)

Gene: RIC1 (RIC1 partner of RAB6A GEF complex; plus strand). Cytogenetic location: 9p24.1.
Variant type: single nucleotide variant.
Coding change: c.1932A>G on transcript NM_020829.4 (MANE Select); coding-DNA position 1932, A replaced by G.
Protein change: p.Val644=; no amino-acid change (valine 644 retained).
Molecular consequence: synonymous variant.
Genome position (GRCh38, 1-based): chr9:5,757,391, A>G. VCF-style: chr9-5757391-A-G. GRCh37 (hg19) VCF-style: chr9-5757391-A-G.
Other names: c.1932A>G, p.Val644= (NM_001135920.4); c.1821A>G, p.Val607= (NM_001206557.2).
Identifiers: ClinVar variation 3026852 (VCV003026852.22), dbSNP rs1047047700, ClinGen allele CA188587296.